The following is an entry in ClinVar:

NM_020461.4(TUBGCP6):c.3251C>T (p.Ser1084Phe)

Gene: TUBGCP6 (tubulin gamma complex component 6; minus strand). Cytogenetic location: 22q13.33.
Variant type: single nucleotide variant.
Coding change: c.3251C>T on transcript NM_020461.4 (MANE Select); coding-DNA position 3251, C replaced by T.
Protein change: p.Ser1084Phe; replaces serine 1084 with phenylalanine.
Molecular consequence: missense variant.
Genome position (GRCh38, 1-based): chr22:50,221,108, G>A on the plus strand (C>T on the coding strand, the complement: TUBGCP6 is on the minus strand). VCF-style: chr22-50221108-G-A. GRCh37 (hg19) VCF-style: chr22-50659537-G-A.
Other names: short protein forms S1084F.
Identifiers: ClinVar variation 1922413 (VCV001922413.5), dbSNP rs2519136258, ClinGen allele CA412184087.

ClinVar aggregate classification (germline): Uncertain significance (1 of 4 stars; one submission).

Submission:

Labcorp Genetics (formerly Invitae), Labcorp
Classification: Uncertain significance. Last evaluated: 2022-07-14. Review status: criteria provided, single submitter. Criteria: Invitae Variant Classification Sherloc (09022015). Collection method: clinical testing. Allele origin: germline.
Comment: This variant is not present in population databases (gnomAD no frequency). This sequence change replaces serine, which is neutral and polar, with phenylalanine, which is neutral and non-polar, at codon 1084 of the TUBGCP6 protein (p.Ser1084Phe). In summary, the available evidence is currently insufficient to determine the role of this variant in disease. Therefore, it has been classified as a Variant of Uncertain Significance. Algorithms developed to predict the effect of missense changes on protein structure and function are either unavailable or do not agree on the potential impact of this missense change (SIFT: "Deleterious"; PolyPhen-2: "Probably Damaging"; Align-GVGD: "Class C0"). This variant has not been reported in the literature in individuals affected with TUBGCP6-related conditions.